The following is an entry in ClinVar:

ClinVar aggregate classification (germline): Conflicting classifications of pathogenicity. Review status: criteria provided, conflicting classifications (1 of 4 stars). 2 submissions from 2 submitters: Pathogenic (1); Uncertain significance (1). Last evaluated 2025-04-11.

Conditions:
2-aminoadipic 2-oxoadipic aciduria (AAKAD). Also called: ALPHA-AMINOADIPIC AND ALPHA-KETOADIPIC ACIDURIA; Aminoadipic aciduria. Identifiers: Orphanet 79154, MedGen C1859817, MONDO:0008774, OMIM 204750.

Allele frequency attached by ClinVar (database versions not stated): gnomAD exomes 0.00005 and 0.00007; gnomAD 0.00006; TOPMed 0.00006; ExAC 0.00007.
gnomAD v4.1: 114 of 1,613,926 alleles (0.0071%); highest among the groups gnomAD compares: Non-Finnish European, 0.0092%; no homozygotes.

Submissions (2):

Labcorp Genetics (formerly Invitae), Labcorp
Classification: Pathogenic for 2-aminoadipic 2-oxoadipic aciduria. Last evaluated: 2025-04-11. Review status: criteria provided, single submitter. Criteria: Invitae Variant Classification Sherloc (09022015). Collection method: clinical testing. Allele origin: germline.
Comment: This sequence change creates a premature translational stop signal (p.Gln416*) in the DHTKD1 gene. It is expected to result in an absent or disrupted protein product. Loss-of-function variants in DHTKD1 are known to be pathogenic (PMID: 23141293, 25860818). This variant is present in population databases (rs200722918, gnomAD 0.01%). This variant has not been reported in the literature in individuals affected with DHTKD1-related conditions. ClinVar contains an entry for this variant (Variation ID: 546638). For these reasons, this variant has been classified as Pathogenic.

CeGaT Center for Human Genetics Tuebingen
Classification: Uncertain significance. Last evaluated: 2018-02-28. Review status: criteria provided, single submitter. Criteria: Praxis fuer Humangenetik Tuebingen - Variant Classification Criteria. Collection method: clinical testing. Allele origin: germline. Affected: yes. Observed: 1 variant allele.

Literature cited by the submitters: PubMed 23141293 (cited by Labcorp Genetics (formerly Invitae), Labcorp); PubMed 25860818 (cited by Labcorp Genetics (formerly Invitae), Labcorp).

NM_018706.7(DHTKD1):c.1246C>T (p.Gln416Ter)

Gene: DHTKD1 (dehydrogenase E1 and transketolase domain containing 1; plus strand). Cytogenetic location: 10p14.
Variant type: single nucleotide variant.
Coding change: c.1246C>T on transcript NM_018706.7 (MANE Select); coding-DNA position 1246, C replaced by T.
Protein change: p.Gln416Ter; replaces glutamine 416 with a stop codon.
Molecular consequence: nonsense.
Genome position (GRCh38, 1-based): chr10:12,094,159, C>T. VCF-style: chr10-12094159-C-T. GRCh37 (hg19) VCF-style: chr10-12136158-C-T.
Other names: short protein forms Q416*.
Identifiers: ClinVar variation 546638 (VCV000546638.8), dbSNP rs200722918, ClinGen allele CA5407790.